The following is an entry in ClinVar:

ClinVar aggregate classification (germline): Uncertain significance (1 of 4 stars; one submission).

Conditions:
Primary ciliary dyskinesia 28. Also called: CILIARY DYSKINESIA, PRIMARY, 28, WITH OR WITHOUT SITUS INVERSUS. Identifiers: Orphanet 244, MedGen C3809706, MONDO:0014216, OMIM 615505.

Allele frequency attached by ClinVar (database versions not stated): gnomAD exomes below 0.00001.
gnomAD v4.1: 1 of 1,614,172 alleles (0.000062%); highest among the groups gnomAD compares: Non-Finnish European, 0.000085%; no homozygotes.

Submission:

Labcorp Genetics (formerly Invitae), Labcorp
Classification: Uncertain significance for Primary ciliary dyskinesia 28. Last evaluated: 2020-03-06. Review status: criteria provided, single submitter. Criteria: Invitae Variant Classification Sherloc (09022015). Collection method: clinical testing. Allele origin: germline.
Comment: In summary, the available evidence is currently insufficient to determine the role of this variant in disease. Therefore, it has been classified as a Variant of Uncertain Significance. Algorithms developed to predict the effect of missense changes on protein structure and function are either unavailable or do not agree on the potential impact of this missense change (SIFT: "Tolerated"; PolyPhen-2: "Probably Damaging"; Align-GVGD: "Class C0"). This variant has not been reported in the literature in individuals with SPAG1-related conditions. This variant is not present in population databases (ExAC no frequency). This sequence change replaces leucine with phenylalanine at codon 798 of the SPAG1 protein (p.Leu798Phe). The leucine residue is moderately conserved and there is a small physicochemical difference between leucine and phenylalanine.

NM_003114.5(SPAG1):c.2392C>T (p.Leu798Phe)

Gene: SPAG1 (sperm associated antigen 1; plus strand). Cytogenetic location: 8q22.2.
Variant type: single nucleotide variant.
Coding change: c.2392C>T on transcript NM_003114.5 (MANE Select); coding-DNA position 2392, C replaced by T.
Protein change: p.Leu798Phe; replaces leucine 798 with phenylalanine.
Molecular consequence: missense variant.
Genome position (GRCh38, 1-based): chr8:100,240,514, C>T. VCF-style: chr8-100240514-C-T. GRCh37 (hg19) VCF-style: chr8-101252742-C-T.
Other names: c.2392C>T, p.Leu798Phe (NM_001374321.1, NM_172218.3); short protein forms L798F.
Identifiers: ClinVar variation 1038972 (VCV001038972.8), dbSNP rs1819213979, ClinGen allele CA371818053.